The following is an entry in ClinVar:

NM_172362.3(KCNH1):c.1464A>C (p.Ser488=)

Gene: KCNH1 (potassium voltage-gated channel subfamily H member 1; minus strand). Cytogenetic location: 1q32.2.
Variant type: single nucleotide variant.
Coding change: c.1464A>C on transcript NM_172362.3 (MANE Select); coding-DNA position 1464, A replaced by C.
Protein change: p.Ser488=; no amino-acid change (serine 488 retained).
Molecular consequence: synonymous variant.
Genome position (GRCh38, 1-based): chr1:210,804,165, T>G on the plus strand (A>C on the coding strand, the complement: KCNH1 is on the minus strand). VCF-style: chr1-210804165-T-G. GRCh37 (hg19) VCF-style: chr1-210977507-T-G.
Other names: c.1383A>C, p.Ser461= (NM_002238.4); c.1464A>C (NM_172362.2).
Identifiers: ClinVar variation 1631941 (VCV001631941.10), dbSNP rs1473297436, ClinGen allele CA423102178.

ClinVar aggregate classification (germline): Likely benign. Review status: criteria provided, multiple submitters, no conflicts (2 of 4 stars). 2 submissions from 2 submitters: Likely benign (2). Last evaluated 2025-11-20.

Conditions:
KCNH1-related disorder. Also called: KCNH1-related disorders; KCNH1-related condition.

Allele frequency attached by ClinVar (database versions not stated): gnomAD exomes below 0.00001; gnomAD 0.00003 and 0.00005; TOPMed 0.00004.
gnomAD v4.1: 7 of 1,609,038 alleles (0.00044%); highest among the groups gnomAD compares: African/African-American, 0.008%; no homozygotes.

Submissions (2):

PreventionGenetics, part of Exact Sciences
Classification: Likely benign for KCNH1-related condition. Last evaluated: 2025-11-20. Review status: criteria provided, single submitter. Criteria: ACMG Guidelines, 2015. Collection method: clinical testing. Allele origin: germline.
Comment: This variant is classified as likely benign based on ACMG/AMP sequence variant interpretation guidelines (Richards et al. 2015 PMID: 25741868, with internal and published modifications).

Labcorp Genetics (formerly Invitae), Labcorp
Classification: Likely benign. Last evaluated: 2025-07-23. Review status: criteria provided, single submitter. Criteria: Invitae Variant Classification Sherloc (09022015). Collection method: clinical testing. Allele origin: germline.